The following is an entry in ClinVar:

ClinVar aggregate classification (germline): Pathogenic. Review status: criteria provided, multiple submitters, no conflicts (2 of 4 stars). 2 submissions from 2 submitters: Pathogenic (2). Last evaluated 2024-04-19.

Conditions:
Aicardi Goutieres syndrome (AGS). Also called: Encephalopathy, familial infantile, with calcification of basal ganglia and chronic cerebrospinal fluid lymphocytosis. Identifiers: Orphanet 51, MedGen C0393591, MONDO:0018866.
Aicardi-Goutieres syndrome 2. Identifiers: Orphanet 51, MedGen C3489724, MONDO:0012429, OMIM 610181.

Allele frequency attached by ClinVar (database versions not stated): gnomAD 0.00001.

Submissions (2):

Myriad Genetics, Inc.
Classification: Pathogenic for Aicardi-Goutieres syndrome 2. Last evaluated: 2024-04-19. Review status: criteria provided, single submitter. Criteria: Myriad Autosomal Dominant, Autosomal Recessive and X-Linked Classification Criteria (2023). Collection method: clinical testing. Allele origin: unknown.
Comment: NM_024570.3(RNASEH2B):c.737C>A(S246*) is expected to be pathogenic in the context of Aicardi-Goutieres syndrome, RNASEH2B-related. This variant is predicted to lead to an abnormal or absent protein product due to the creation of a premature termination codon in RNASEH2B, a gene where loss-of-function variants are known to be pathogenic. Please note: this variant was assessed in the context of healthy population screening.

Women's Health and Genetics/Laboratory Corporation of America, LabCorp
Classification: Pathogenic for Aicardi Goutieres syndrome. Last evaluated: 2023-12-12. Review status: criteria provided, single submitter. Criteria: LabCorp Variant Classification Summary - May 2015. Collection method: clinical testing. Allele origin: germline.
Comment: Variant summary: RNASEH2B c.737C>A (p.Ser246X) results in a premature termination codon, predicted to cause a truncation of the encoded protein or absence of the protein due to nonsense mediated decay, which are commonly known mechanisms for disease. The variant was absent in 251162 control chromosomes. To our knowledge, no occurrence of c.737C>A in individuals affected with Aicardi Goutieres Syndrome and no experimental evidence demonstrating its impact on protein function have been reported. No submitters have cited clinical-significance assessments for this variant to ClinVar after 2014. Based on the evidence outlined above, the variant was classified as pathogenic.

NM_024570.4(RNASEH2B):c.737C>A (p.Ser246Ter)

Gene: RNASEH2B (ribonuclease H2 subunit B; plus strand). Cytogenetic location: 13q14.3.
Variant type: single nucleotide variant.
Coding change: c.737C>A on transcript NM_024570.4 (MANE Select); coding-DNA position 737, C replaced by A.
Protein change: p.Ser246Ter; replaces serine 246 with a stop codon.
Molecular consequence: nonsense.
Genome position (GRCh38, 1-based): chr13:50,949,501, C>A. VCF-style: chr13-50949501-C-A. GRCh37 (hg19) VCF-style: chr13-51523637-C-A.
Other names: c.737C>A, p.Ser246Ter (NM_001142279.2, NM_001411023.1); short protein forms S246*.
Identifiers: ClinVar variation 2691643 (VCV002691643.2), dbSNP rs1337018128, ClinGen allele CA388260037.